The following is an entry in ClinVar:

ClinVar aggregate classification (germline): Uncertain significance (1 of 4 stars; one submission).

Conditions:
ALG12-congenital disorder of glycosylation (CDG1G). Also called: ALG12-CDG; CDG Ig; Congenital disorder of glycosylation, type Ig. Identifiers: Orphanet 79324, MedGen C2931001, MONDO:0011783, OMIM 607143.

Allele frequency attached by ClinVar (database versions not stated): gnomAD exomes below 0.00001 and 0.00001; ExAC 0.00001.
gnomAD v4.1: 3 of 1,614,200 alleles (0.00019%); highest among the groups gnomAD compares: Non-Finnish European, 0.00025%; no homozygotes.

Submission:

Labcorp Genetics (formerly Invitae), Labcorp
Classification: Uncertain significance for ALG12-congenital disorder of glycosylation. Last evaluated: 2024-08-05. Review status: criteria provided, single submitter. Criteria: Invitae Variant Classification Sherloc (09022015). Collection method: clinical testing. Allele origin: germline.
Comment: This sequence change replaces methionine, which is neutral and non-polar, with isoleucine, which is neutral and non-polar, at codon 434 of the ALG12 protein (p.Met434Ile). This variant is present in population databases (rs781494329, gnomAD 0.0009%). This variant has not been reported in the literature in individuals affected with ALG12-related conditions. ClinVar contains an entry for this variant (Variation ID: 1477209). An algorithm developed to predict the effect of missense changes on protein structure and function (PolyPhen-2) suggests that this variant is likely to be tolerated. In summary, the available evidence is currently insufficient to determine the role of this variant in disease. Therefore, it has been classified as a Variant of Uncertain Significance.

NM_024105.4(ALG12):c.1302G>A (p.Met434Ile)

Gene: ALG12 (ALG12 alpha-1,6-mannosyltransferase; minus strand). Cytogenetic location: 22q13.33.
Variant type: single nucleotide variant.
Coding change: c.1302G>A on transcript NM_024105.4 (MANE Select); coding-DNA position 1302, G replaced by A.
Protein change: p.Met434Ile; replaces methionine 434 with isoleucine.
Molecular consequence: missense variant.
Genome position (GRCh38, 1-based): chr22:49,904,003, C>T on the plus strand (G>A on the coding strand, the complement: ALG12 is on the minus strand). VCF-style: chr22-49904003-C-T. GRCh37 (hg19) VCF-style: chr22-50297651-C-T.
Other names: short protein forms M434I.
Identifiers: ClinVar variation 1477209 (VCV001477209.7), dbSNP rs781494329, ClinGen allele CA10300250.
Genomic context (GRCh38, chr22:49,904,003, plus strand): 5'-GACGCTGGCCAGGACCCGGTGTGTGTCCCTGTAGAGGGCCAGGAGCCCAGGGGCCGCCTC[C>T]ATGAGGATGTGTGTGTATGCCAGCATGCCTGTCCCCGGCTGCACATCCTCCCTCTTGTCG-3'
Protein context (NP_077010.1, residues 424-444): TGMLAYTHIL[Met434Ile]EAAPGLLALY